The following is an entry in ClinVar:

ClinVar aggregate classification (germline): Likely benign (1 of 4 stars; one submission).

Allele frequency attached by ClinVar (database versions not stated): gnomAD exomes below 0.00001.
gnomAD v4.1: 1 of 1,600,510 alleles (0.000062%); highest among the groups gnomAD compares: Non-Finnish European, 0.000085%; no homozygotes.

Submission:

CeGaT Center for Human Genetics Tuebingen
Classification: Likely benign. Last evaluated: 2023-11-01. Review status: criteria provided, single submitter. Criteria: CeGaT Center For Human Genetics Tuebingen Variant Classification Criteria Version 2. Collection method: clinical testing. Allele origin: germline. Affected: yes. Observed: 1 variant allele.
Comment: ARHGEF2: BP4, BP7

NM_001162383.2(ARHGEF2):c.2472A>G (p.Leu824=)

Gene: ARHGEF2 (Rho/Rac guanine nucleotide exchange factor 2; minus strand). Cytogenetic location: 1q22.
Variant type: single nucleotide variant.
Coding change: c.2472A>G on transcript NM_001162383.2 (MANE Select); coding-DNA position 2472, A replaced by G.
Protein change: p.Leu824=; no amino-acid change (leucine 824 retained).
Molecular consequence: synonymous variant.
Genome position (GRCh38, 1-based): chr1:155,951,060, T>C on the plus strand (A>G on the coding strand, the complement: ARHGEF2 is on the minus strand). VCF-style: chr1-155951060-T-C. GRCh37 (hg19) VCF-style: chr1-155920851-T-C.
Other names: c.2469A>G, p.Leu823= (NM_001162384.2); c.2391A>G, p.Leu797= (NM_001350110.2, NM_001350111.2); c.2418A>G, p.Leu806= (NM_001350112.2); c.2388A>G, p.Leu796= (NM_004723.4).
Identifiers: ClinVar variation 2672361 (VCV002672361.23), dbSNP rs1379606484, ClinGen allele CA421256293.